The following is an entry in ClinVar:

NM_032043.3(BRIP1):c.2512G>C (p.Asp838His)

Gene: BRIP1 (BRCA1 interacting DNA helicase 1; minus strand). Cytogenetic location: 17q23.2.
Variant type: single nucleotide variant.
Coding change: c.2512G>C on transcript NM_032043.3 (MANE Select); coding-DNA position 2512, G replaced by C.
Protein change: p.Asp838His; replaces aspartic acid 838 with histidine.
Molecular consequence: missense variant.
Genome position (GRCh38, 1-based): chr17:61,693,493, C>G on the plus strand (G>C on the coding strand, the complement: BRIP1 is on the minus strand). VCF-style: chr17-61693493-C-G. GRCh37 (hg19) VCF-style: chr17-59770854-C-G.
Other names: short protein forms D838H.
Identifiers: ClinVar variation 2050047 (VCV002050047.1), dbSNP rs2144187416, ClinGen allele CA400482466.

ClinVar aggregate classification (germline): Uncertain significance (1 of 4 stars; one submission).

Conditions:
Familial cancer of breast. Also called: Hereditary breast cancer; hereditary breast carcinoma; BREAST CANCER, FAMILIAL. Identifiers: Orphanet 227535, MedGen C0346153, MONDO:0016419, OMIM 114480. Disease mechanism: loss of function.
Fanconi anemia complementation group J. Also called: BRIP1-Related Fanconi Anemia. Identifiers: Orphanet 84, MedGen C1836860, MONDO:0012187, OMIM 609054.

Submission:

Labcorp Genetics (formerly Invitae), Labcorp
Classification: Uncertain significance for Familial cancer of breast; Fanconi anemia complementation group J. Last evaluated: 2021-12-20. Review status: criteria provided, single submitter. Criteria: Invitae Variant Classification Sherloc (09022015). Collection method: clinical testing. Allele origin: germline.
Comment: This sequence change replaces aspartic acid, which is acidic and polar, with histidine, which is basic and polar, at codon 838 of the BRIP1 protein (p.Asp838His). This variant is not present in population databases (gnomAD no frequency). This variant has not been reported in the literature in individuals affected with BRIP1-related conditions. Algorithms developed to predict the effect of missense changes on protein structure and function (SIFT, PolyPhen-2, Align-GVGD) all suggest that this variant is likely to be disruptive. In summary, the available evidence is currently insufficient to determine the role of this variant in disease. Therefore, it has been classified as a Variant of Uncertain Significance.